The following is an entry in ClinVar:

ClinVar aggregate classification (germline): Uncertain significance (1 of 4 stars; one submission).

Conditions:
Ectodermal dysplasia and immunodeficiency 2. Identifiers: Orphanet 238468, Orphanet 98813, MedGen C2677481, MONDO:0012806, OMIM 612132.

Submission:

Labcorp Genetics (formerly Invitae), Labcorp
Classification: Uncertain significance for Ectodermal dysplasia and immunodeficiency 2. Last evaluated: 2025-04-17. Review status: criteria provided, single submitter. Criteria: Invitae Variant Classification Sherloc (09022015). Collection method: clinical testing. Allele origin: germline.
Comment: This sequence change replaces glutamine, which is neutral and polar, with lysine, which is basic and polar, at codon 44 of the NFKBIA protein (p.Gln44Lys). This variant is not present in population databases (gnomAD no frequency). This variant has not been reported in the literature in individuals affected with NFKBIA-related conditions. An algorithm developed to predict the effect of missense changes on protein structure and function (PolyPhen-2) suggests that this variant is likely to be tolerated. In summary, the available evidence is currently insufficient to determine the role of this variant in disease. Therefore, it has been classified as a Variant of Uncertain Significance.

NM_020529.3(NFKBIA):c.130C>A (p.Gln44Lys)

Gene: NFKBIA (NFKB inhibitor alpha; minus strand). Cytogenetic location: 14q13.2.
Variant type: single nucleotide variant.
Coding change: c.130C>A on transcript NM_020529.3 (MANE Select); coding-DNA position 130, C replaced by A.
Protein change: p.Gln44Lys; replaces glutamine 44 with lysine.
Molecular consequence: missense variant.
Genome position (GRCh38, 1-based): chr14:35,404,515, G>T on the plus strand (C>A on the coding strand, the complement: NFKBIA is on the minus strand). VCF-style: chr14-35404515-G-T. GRCh37 (hg19) VCF-style: chr14-35873721-G-T.
Other names: short protein forms Q44K.
Identifiers: ClinVar variation 4717818 (VCV004717818.1).
Genomic context (GRCh38, chr14:35,404,515, plus strand): 5'-CCGAGCCGCGCGGCACCTCCTGCGGCTCGAGGCGGATCTCCTGCAGCTCCTTGACCATCT[G>T]CTCGTACTCCTCGTCTTTCATGGAGTCCAGGCCGCTGTCGTGGCGGTCGTCCAGTAGCCG-3'
Protein context (NP_065390.1, residues 34-54): LDSMKDEEYE[Gln44Lys]MVKELQEIRL